The following is an entry in ClinVar:

NM_004447.6(EPS8):c.2252A>G (p.Asn751Ser)

Gene: EPS8 (EGFR pathway substrate 8, signaling adaptor; minus strand). Cytogenetic location: 12p12.3.
Variant type: single nucleotide variant.
Coding change: c.2252A>G on transcript NM_004447.6 (MANE Select); coding-DNA position 2252, A replaced by G.
Protein change: p.Asn751Ser; replaces asparagine 751 with serine.
Molecular consequence: missense variant.
Genome position (GRCh38, 1-based): chr12:15,623,261, T>C on the plus strand (A>G on the coding strand, the complement: EPS8 is on the minus strand). VCF-style: chr12-15623261-T-C. GRCh37 (hg19) VCF-style: chr12-15776195-T-C.
Other names: c.2288A>G, p.Asn763Ser (NM_001413831.1); c.2252A>G, p.Asn751Ser (NM_001413832.1, NM_001413833.1, NM_001413834.1); c.2012A>G, p.Asn671Ser (NM_001413835.1, NM_001413836.1); c.1835A>G, p.Asn612Ser (NM_001413837.1); c.1472A>G, p.Asn491Ser (NM_001413838.1); short protein forms N491S, N612S, N671S, N751S, N763S.
Identifiers: ClinVar variation 1803297 (VCV001803297.1), dbSNP rs2540202754, ClinGen allele CA384022767.

ClinVar aggregate classification (germline): Uncertain significance (1 of 4 stars; one submission).

Submission:

GeneDx
Classification: Uncertain significance. Last evaluated: 2022-06-07. Review status: criteria provided, single submitter. Criteria: GeneDx Variant Classification Process June 2021. Collection method: clinical testing. Allele origin: germline. Affected: yes.
Comment: Not observed at significant frequency in large population cohorts (gnomAD); In silico analysis supports that this missense variant does not alter protein structure/function; Has not been previously published as pathogenic or benign to our knowledge